The following is an entry in ClinVar:

NM_018418.5(SPATA7):c.1513A>G (p.Ile505Val)

Gene: SPATA7 (spermatogenesis associated 7; plus strand). Cytogenetic location: 14q31.3.
Variant type: single nucleotide variant.
Coding change: c.1513A>G on transcript NM_018418.5 (MANE Select); coding-DNA position 1513, A replaced by G.
Protein change: p.Ile505Val; replaces isoleucine 505 with valine.
Molecular consequence: missense variant.
Genome position (GRCh38, 1-based): chr14:88,438,135, A>G. VCF-style: chr14-88438135-A-G. GRCh37 (hg19) VCF-style: chr14-88904479-A-G.
Other names: c.1417A>G, p.Ile473Val (NM_001040428.4); short protein forms I505V, I473V.
Identifiers: ClinVar variation 963197 (VCV000963197.9), dbSNP rs745567483, ClinGen allele CA7298827.

ClinVar aggregate classification (germline): Uncertain significance. Review status: criteria provided, multiple submitters, no conflicts (2 of 4 stars). 2 submissions from 2 submitters: Uncertain significance (2). Last evaluated 2025-10-29.

Conditions:
Inborn genetic diseases. Identifiers: MedGen C0950123, MeSH D030342.
Leber congenital amaurosis 3 (LCA3). Also called: SPATA7-Related Retinitis Pigmentosa. Identifiers: MedGen C1858677, MONDO:0011415, OMIM 604232.

Allele frequency attached by ClinVar (database versions not stated): gnomAD exomes below 0.00001 and 0.00001; ExAC 0.00001.
gnomAD v4.1: 1 of 1,613,884 alleles (0.000062%); highest among the groups gnomAD compares: Non-Finnish European, 0.000085%; no homozygotes.

Submissions (2):

Ambry Genetics
Classification: Uncertain significance for Inborn genetic diseases. Last evaluated: 2025-10-29. Review status: criteria provided, single submitter. Criteria: Ambry Variant Classification Scheme 2023. Collection method: clinical testing. Allele origin: germline.

Labcorp Genetics (formerly Invitae), Labcorp
Classification: Uncertain significance for Leber congenital amaurosis 3. Last evaluated: 2024-01-23. Review status: criteria provided, single submitter. Criteria: Invitae Variant Classification Sherloc (09022015). Collection method: clinical testing. Allele origin: germline.
Comment: This sequence change replaces isoleucine, which is neutral and non-polar, with valine, which is neutral and non-polar, at codon 505 of the SPATA7 protein (p.Ile505Val). This variant is present in population databases (rs745567483, gnomAD 0.002%). This variant has not been reported in the literature in individuals affected with SPATA7-related conditions. ClinVar contains an entry for this variant (Variation ID: 963197). Advanced modeling of protein sequence and biophysical properties (such as structural, functional, and spatial information, amino acid conservation, physicochemical variation, residue mobility, and thermodynamic stability) performed at Invitae indicates that this missense variant is not expected to disrupt SPATA7 protein function with a negative predictive value of 80%. In summary, the available evidence is currently insufficient to determine the role of this variant in disease. Therefore, it has been classified as a Variant of Uncertain Significance.